The following is an entry in ClinVar:

ClinVar aggregate classification (germline): Likely benign (0 of 4 stars; one submission).

Conditions:
BDNF-related disorder. Also called: BDNF-related condition.

gnomAD v4.1: 38 of 1,611,736 alleles (0.0024%); highest among the groups gnomAD compares: Non-Finnish European, 0.003%; no homozygotes.

Submission:

PreventionGenetics, part of Exact Sciences
Classification: Likely benign for BDNF-related condition. Last evaluated: 2022-09-15. Review status: no assertion criteria provided. Collection method: clinical testing. Allele origin: germline.
Comment: This variant is classified as likely benign based on ACMG/AMP sequence variant interpretation guidelines (Richards et al. 2015 PMID: 25741868, with internal and published modifications).

NM_001709.5(BDNF):c.-21-15523C>T

Genes: BDNF (brain derived neurotrophic factor; minus strand), BDNF-AS (BDNF antisense RNA; plus strand). Cytogenetic location: 11p14.1.
Variant type: single nucleotide variant.
Coding change: c.-21-15523C>T on transcript NM_001709.5 (MANE Select); 15523 bases into the intron before 21 bases upstream of the start codon, C replaced by T.
Molecular consequence: intron variant. On other transcripts: synonymous variant (1), 5 prime UTR variant (1).
Genome position (GRCh38, 1-based): chr11:27,674,108, G>A on the plus strand (C>T on the coding strand, the complement: BDNF is on the minus strand). VCF-style: chr11-27674108-G-A. GRCh37 (hg19) VCF-style: chr11-27695655-G-A.
Other names: c.177C>T, p.His59= (NM_001143810.2); c.-187C>T (NM_001143811.2); c.4-15523C>T (NM_170731.5); c.-21-15523C>T (NM_001143805.1, NM_001143806.1, NM_170732.4 and 5 more transcripts); c.67-15523C>T (NM_001143809.2); c.-128-15182C>T (NM_001143814.2); c.25-15523C>T (NM_170734.4).
Identifiers: ClinVar variation 3353541 (VCV003353541.1).